The following is an entry in ClinVar:

ClinVar aggregate classification (germline): Uncertain significance (1 of 4 stars; one submission).

Conditions:
Cardiomyopathy (CMYO). Also called: Cardiomyopathies. Identifiers: Orphanet 167848, MedGen C0878544, MONDO:0004994, HP:0001638. Inheritance: Various modes of inheritance.

gnomAD v4.1: 2 of 1,613,984 alleles (0.00012%); highest among the groups gnomAD compares: Non-Finnish European, 0.00017%; no homozygotes.

Submission:

Color Diagnostics, LLC DBA Color Health
Classification: Uncertain significance for Cardiomyopathy. Last evaluated: 2025-07-17. Review status: criteria provided, single submitter. Criteria: ACMG Guidelines, 2015. Collection method: clinical testing. Allele origin: germline.
Comment: This missense variant replaces serine with proline at codon 4106 of the RYR2 protein. Computational prediction suggests that this variant may have deleterious impact on protein structure and function. To our knowledge, functional studies have not been reported for this variant. This variant has not been reported in individuals affected with RYR2-related disorders in the literature. This variant has not been identified in the general population by the Genome Aggregation Database (gnomAD). The available evidence is insufficient to determine the role of this variant in disease conclusively. Therefore, this variant is classified as a Variant of Uncertain Significance.

NM_001035.3(RYR2):c.12316T>C (p.Ser4106Pro)

Gene: RYR2 (ryanodine receptor 2; plus strand). Cytogenetic location: 1q43.
Variant type: single nucleotide variant.
Coding change: c.12316T>C on transcript NM_001035.3 (MANE Select); coding-DNA position 12316, T replaced by C.
Protein change: p.Ser4106Pro; replaces serine 4106 with proline.
Molecular consequence: missense variant.
Genome position (GRCh38, 1-based): chr1:237,784,028, T>C. VCF-style: chr1-237784028-T-C. GRCh37 (hg19) VCF-style: chr1-237947328-T-C.
Other names: short protein forms S4106P.
Identifiers: ClinVar variation 4757744 (VCV004757744.1).